The following is an entry in ClinVar:

NM_020163.3(SEMA3G):c.245G>A (p.Arg82Gln)

Gene: SEMA3G (semaphorin 3G; minus strand). Cytogenetic location: 3p21.1.
Variant type: single nucleotide variant.
Coding change: c.245G>A on transcript NM_020163.3 (MANE Select); coding-DNA position 245, G replaced by A.
Protein change: p.Arg82Gln; replaces arginine 82 with glutamine.
Molecular consequence: missense variant.
Genome position (GRCh38, 1-based): chr3:52,442,778, C>T on the plus strand (G>A on the coding strand, the complement: SEMA3G is on the minus strand). VCF-style: chr3-52442778-C-T. GRCh37 (hg19) VCF-style: chr3-52476794-C-T.
Other names: short protein forms R82Q.
Identifiers: ClinVar variation 3357199 (VCV003357199.1).
Genomic context (GRCh38, chr3:52,442,778, plus strand): 5'-AGACCCTCTTCCCTGCCAGTCCAGCTCACCTCCCGGGGATCTGGCCATGCCTGGTCCAGC[C>T]GCAGAGAGTAGAGGGCGTCCAGGCCACCCAGAAAGAGGCGGTCTCGGTACTCATCTAGGT-3'
Protein context (NP_064548.1, residues 72-92): LGGLDALYSL[Arg82Gln]LDQAWPDPRE

ClinVar aggregate classification (germline): Uncertain significance (0 of 4 stars; one submission).

Conditions:
SEMA3G-related disorder. Also called: SEMA3G-related condition.

Submission:

PreventionGenetics, part of Exact Sciences
Classification: Uncertain significance for SEMA3G-related condition. Last evaluated: 2024-05-16. Review status: no assertion criteria provided. Collection method: clinical testing. Allele origin: germline.
Comment: The SEMA3G c.245G>A variant is predicted to result in the amino acid substitution p.Arg82Gln. To our knowledge, this variant has not been reported in the literature. This variant is reported in 0.0031% of alleles in individuals of European (Non-Finnish) descent in gnomAD. At this time, the clinical significance of this variant is uncertain due to the absence of conclusive functional and genetic evidence.